The following is an entry in ClinVar:

NM_016327.3(UPB1):c.814G>A (p.Ala272Thr)

Gene: UPB1 (beta-ureidopropionase 1; plus strand). Cytogenetic location: 22q11.23.
Variant type: single nucleotide variant.
Coding change: c.814G>A on transcript NM_016327.3 (MANE Select); coding-DNA position 814, G replaced by A.
Protein change: p.Ala272Thr; replaces alanine 272 with threonine.
Molecular consequence: missense variant.
Genome position (GRCh38, 1-based): chr22:24,520,409, G>A. VCF-style: chr22-24520409-G-A. GRCh37 (hg19) VCF-style: chr22-24916377-G-A.
Other names: short protein forms A272T.
Identifiers: ClinVar variation 452825 (VCV000452825.2), dbSNP rs770476916, ClinGen allele CA10153366.

ClinVar aggregate classification (germline): Uncertain significance (1 of 4 stars; one submission).

Allele frequency attached by ClinVar (database versions not stated): gnomAD exomes 0.00001 and 0.00002; ExAC 0.00003; TOPMed below 0.00001.
gnomAD v4.1: 17 of 1,614,168 alleles (0.0011%); highest among the groups gnomAD compares: South Asian, 0.019%; no homozygotes.

Submission:

GeneDx
Classification: Uncertain significance. Last evaluated: 2017-10-12. Review status: criteria provided, single submitter. Criteria: GeneDx Variant Classification (06012015). Collection method: clinical testing. Allele origin: germline. Affected: yes.
Comment: The A272T variant in the UPB1 gene has not been reported previously as a pathogenic variant, nor as a benign variant, to our knowledge. The A272T variant is observed in 5/30,770 (0.02%) alleles from individuals of South Asian background in the gnomAD dataset, and no individuals were reported to be homozygous (Lek et al., 2016). The A272T variant is a non-conservative amino acid substitution, which is likely to impact secondary protein structure as these residues differ in polarity, charge, size and/or other properties. This substitution occurs at a position that is conserved across species. In silico analysis predicts this variant is probably damaging to the protein structure/function. We interpret A272T as a variant of uncertain significance.